The following is an entry in ClinVar:

ClinVar aggregate classification (germline): Uncertain significance (1 of 4 stars; one submission).

Conditions:
Hereditary cancer-predisposing syndrome. Also called: Hereditary Cancer Syndrome; Neoplastic Syndromes, Hereditary; Tumor predisposition; Hereditary neoplastic syndrome. Identifiers: Orphanet 140162, MedGen C0027672, MeSH D009386, MONDO:0015356.

Submission:

Color Diagnostics, LLC DBA Color Health
Classification: Uncertain significance for Hereditary cancer-predisposing syndrome. Last evaluated: 2023-12-05. Review status: criteria provided, single submitter. Criteria: ACMG Guidelines, 2015. Collection method: clinical testing. Allele origin: germline.
Comment: This missense variant replaces serine with threonine at codon 2581 of the APC protein. Computational prediction suggests that this variant may not impact protein structure and function (internally defined REVEL score threshold <= 0.5, PMID: 27666373). To our knowledge, functional studies have not been reported for this variant. This variant has not been reported in individuals affected with APC-related disorders in the literature. This variant has not been identified in the general population by the Genome Aggregation Database (gnomAD). The available evidence is insufficient to determine the role of this variant in disease conclusively. Therefore, this variant is classified as a Variant of Uncertain Significance.

NM_000038.6(APC):c.7742G>C (p.Ser2581Thr)

Gene: APC (APC regulator of Wnt signaling pathway; plus strand). Cytogenetic location: 5q22.2.
Variant type: single nucleotide variant.
Coding change: c.7742G>C on transcript NM_000038.6 (MANE Select); coding-DNA position 7742, G replaced by C.
Protein change: p.Ser2581Thr; replaces serine 2581 with threonine.
Molecular consequence: missense variant.
Genome position (GRCh38, 1-based): chr5:112,843,336, G>C. VCF-style: chr5-112843336-G-C. GRCh37 (hg19) VCF-style: chr5-112179033-G-C.
Other names: c.7742G>C, p.Ser2581Thr (NM_001127510.3, NM_001354895.2); c.7688G>C, p.Ser2563Thr (NM_001127511.3); c.7796G>C, p.Ser2599Thr (NM_001354896.2); c.7772G>C, p.Ser2591Thr (NM_001354897.2); c.7667G>C, p.Ser2556Thr (NM_001354898.2); c.7658G>C, p.Ser2553Thr (NM_001354899.2); c.7619G>C, p.Ser2540Thr (NM_001354900.2); c.7565G>C, p.Ser2522Thr (NM_001354901.2); and 5 more; short protein forms S2563T, S2581T, S2421T, S2480T, S2490T, S2540T, S2553T, S2556T.
Identifiers: ClinVar variation 489496 (VCV000489496.6), dbSNP rs1203301360, ClinGen allele CA16038144.